The following is an entry in ClinVar:

NM_002968.3(SALL1):c.868_872del (p.Ser290fs)

Gene: SALL1 (spalt like transcription factor 1; minus strand). Cytogenetic location: 16q12.1.
Variant type: Deletion.
Coding change: c.868_872del on transcript NM_002968.3 (MANE Select); coding-DNA positions 868 to 872, 5 bases deleted (TCTCA; older notation c.868_872delTCTCA).
Protein change: p.Ser290fs; shifts the reading frame from serine 290.
Molecular consequence: frameshift variant.
Genome position (GRCh38, 1-based): chr16:51,141,350-51,141,354, TGAGA deleted on the plus strand (TCTCA on the coding strand, the reverse complement: SALL1 is on the minus strand); deleting any 5 consecutive bases within chr16:51,141,350-51,141,355 gives the same sequence; the c. name uses the placement nearest the transcript's 3' end. VCF-style (leftmost placement, unchanged base first): chr16-51141349-CTGAGA-C. GRCh37 (hg19) VCF-style: chr16-51175260-CTGAGA-C.
Other names: c.577_581del, p.Ser193fs (NM_001127892.2); c.867_871delATCTC, p.Ser290Alafs (NM_002968.2); short protein forms S193fs, S290fs.
Identifiers: ClinVar variation 3393590 (VCV003393590.1).
Genomic context (GRCh38, chr16:51,141,349, plus strand): 5'-ACTAATGCTGGCAGATTGGCTGGCGAGGCTCTGTGCCAATCCAGCTGCTGCTGCCAGCTG[CTGAGA>C]TAAATGGGAACTTAGCGTGGACAAGGGGTTGGCAGATGTTCGTAAAGTACCTTGAGAAGG-3'

ClinVar aggregate classification (germline): Pathogenic (1 of 4 stars; one submission).

Submission:

GeneDx
Classification: Pathogenic. Last evaluated: 2024-06-30. Review status: criteria provided, single submitter. Criteria: GeneDx Variant Classification Process June 2021. Collection method: clinical testing. Allele origin: germline. Affected: yes.
Comment: Frameshift variant predicted to result in protein truncation or nonsense mediated decay in a gene for which loss of function is a known mechanism of disease; Not observed at significant frequency in large population cohorts (gnomAD); Has not been previously published as pathogenic or benign to our knowledge